The following is an entry in ClinVar:

ClinVar aggregate classification (germline): Conflicting classifications of pathogenicity. Review status: criteria provided, conflicting classifications (1 of 4 stars). 4 submissions from 4 submitters: Uncertain significance (1); Likely benign (2). 1 of the submissions does not count toward it. Last evaluated 2026-03-24.

Conditions:
TNXB-related disorder. Also called: TNXB-related condition.
Cardiovascular phenotype. Identifiers: MedGen CN230736.

Allele frequency attached by ClinVar (database versions not stated): gnomAD 0.00002; gnomAD exomes 0.00003 and 0.00004; TOPMed 0.00003; ExAC 0.00004.
gnomAD v4.1: 64 of 1,612,794 alleles (0.004%); highest among the groups gnomAD compares: Middle Eastern, 0.017%; no homozygotes.

Submissions (4):

Women's Health and Genetics/Laboratory Corporation of America, LabCorp
Classification: Uncertain significance. Last evaluated: 2026-03-24. Review status: criteria provided, single submitter. Criteria: LabCorp Variant Classification Summary - May 2015. Collection method: clinical testing. Allele origin: germline.
Comment: Variant summary: TNXB c.6543G>A (p.Thr2181Thr) alters a conserved nucleotide located close to a canonical splice site and therefore could affect mRNA splicing, leading to a significantly altered protein sequence. Several computational tools predict a significant impact on normal splicing: Three predict the variant creates a 3' acceptor site. However, these predictions have yet to be confirmed by functional studies. The variant allele was found at a frequency of 3.2e-05 in 246508 control chromosomes. The available data on variant occurrences in the general population are insufficient to allow any conclusion about variant significance. To our knowledge, no occurrence of c.6543G>A in individuals affected with TNXB-related conditions and no experimental evidence demonstrating its impact on protein function have been reported. ClinVar contains an entry for this variant (Variation ID: 1254784). Based on the evidence outlined above, the variant was classified as uncertain significance.

Ambry Genetics
Classification: Likely benign for Cardiovascular phenotype. Last evaluated: 2023-10-23. Review status: criteria provided, single submitter. Criteria: Ambry Variant Classification Scheme 2023. Collection method: clinical testing. Allele origin: germline.

GeneDx
Classification: Likely benign. Last evaluated: 2021-02-03. Review status: criteria provided, single submitter. Criteria: GeneDx Variant Classification Process June 2021. Collection method: clinical testing. Allele origin: germline. Affected: yes.

PreventionGenetics, part of Exact Sciences
Classification: Likely benign for TNXB-related condition. Last evaluated: 2024-08-23. Review status: no assertion criteria provided. Collection method: clinical testing. Allele origin: germline. Not counted in ClinVar's aggregate classification.
Comment: This variant is classified as likely benign based on ACMG/AMP sequence variant interpretation guidelines (Richards et al. 2015 PMID: 25741868, with internal and published modifications).

NM_001365276.2(TNXB):c.6543G>A (p.Thr2181=)

Gene: TNXB (tenascin XB; minus strand). Cytogenetic location: 6p21.33.
Variant type: single nucleotide variant.
Coding change: c.6543G>A on transcript NM_001365276.2 (MANE Select); coding-DNA position 6543, G replaced by A.
Protein change: p.Thr2181=; no amino-acid change (threonine 2181 retained).
Molecular consequence: synonymous variant.
Genome position (GRCh38, 1-based): chr6:32,067,662, C>T on the plus strand (G>A on the coding strand, the complement: TNXB is on the minus strand). VCF-style: chr6-32067662-C-T. GRCh37 (hg19) VCF-style: chr6-32035439-C-T.
Other names: c.6543G>A, p.Thr2181= (NM_019105.8).
Identifiers: ClinVar variation 1254784 (VCV001254784.5), dbSNP rs762655326, ClinGen allele CA3734398.